The following is an entry in ClinVar:

ClinVar aggregate classification (germline): Uncertain significance (1 of 4 stars; one submission).

Allele frequency attached by ClinVar (database versions not stated): TOPMed 0.00002; gnomAD 0.00003.
gnomAD v4.1: 4 of 1,606,504 alleles (0.00025%); highest among the groups gnomAD compares: African/African-American, 0.0054%; no homozygotes.

Submission:

Labcorp Genetics (formerly Invitae), Labcorp
Classification: Uncertain significance. Last evaluated: 2022-06-27. Review status: criteria provided, single submitter. Criteria: Invitae Variant Classification Sherloc (09022015). Collection method: clinical testing. Allele origin: germline.
Comment: In summary, the available evidence is currently insufficient to determine the role of this variant in disease. Therefore, it has been classified as a Variant of Uncertain Significance. Algorithms developed to predict the effect of missense changes on protein structure and function are either unavailable or do not agree on the potential impact of this missense change (SIFT: "Deleterious"; PolyPhen-2: "Benign"; Align-GVGD: "Class C0"). This variant has not been reported in the literature in individuals affected with EPS8L2-related conditions. This variant is present in population databases (no rsID available, gnomAD 0.01%). This sequence change replaces proline, which is neutral and non-polar, with leucine, which is neutral and non-polar, at codon 425 of the EPS8L2 protein (p.Pro425Leu).

NM_022772.4(EPS8L2):c.1274C>T (p.Pro425Leu)

Gene: EPS8L2 (EPS8 signaling adaptor L2; plus strand). Cytogenetic location: 11p15.5.
Variant type: single nucleotide variant.
Coding change: c.1274C>T on transcript NM_022772.4 (MANE Select); coding-DNA position 1274, C replaced by T.
Protein change: p.Pro425Leu; replaces proline 425 with leucine.
Molecular consequence: missense variant.
Genome position (GRCh38, 1-based): chr11:722,738, C>T. VCF-style: chr11-722738-C-T. GRCh37 (hg19) VCF-style: chr11-722738-C-T.
Other names: short protein forms P425L.
Identifiers: ClinVar variation 1498313 (VCV001498313.6), dbSNP rs1256825303, ClinGen allele CA378972779.
Genomic context (GRCh38, chr11:722,738, plus strand): 5'-AGTGGCCGCGGGAGCCACAGGTGCCCCTCTACGTGCCCAAGTTCCACAGCGGCTGGGAGC[C>T]TCCTGTGGATGTGCTGCAGGAGGCCCCCTGGGAGGTGGAGGGGCTGGCGTCTGCCCCCAT-3'
Protein context (NP_073609.2, residues 415-435): YVPKFHSGWE[Pro425Leu]PVDVLQEAPW